The following is an entry in ClinVar:

NM_005592.4(MUSK):c.741A>C (p.Glu247Asp)

Gene: MUSK (muscle associated receptor tyrosine kinase; plus strand). Cytogenetic location: 9q31.3.
Variant type: single nucleotide variant.
Coding change: c.741A>C on transcript NM_005592.4 (MANE Select); coding-DNA position 741, A replaced by C.
Protein change: p.Glu247Asp; replaces glutamic acid 247 with aspartic acid.
Molecular consequence: missense variant. On other transcripts: 5 prime UTR variant (1).
Genome position (GRCh38, 1-based): chr9:110,734,363, A>C. VCF-style: chr9-110734363-A-C. GRCh37 (hg19) VCF-style: chr9-113496643-A-C.
Other names: c.771A>C, p.Glu257Asp (NM_001166280.2); c.741A>C, p.Glu247Asp (NM_001166281.2); c.-496A>C (NM_001369398.1); short protein forms E257D, E247D.
Identifiers: ClinVar variation 1487470 (VCV001487470.7), dbSNP rs2077002366, ClinGen allele CA374667920.

ClinVar aggregate classification (germline): Uncertain significance (1 of 4 stars; one submission).

Conditions:
Fetal akinesia deformation sequence 1 (FADS1). Also called: Fetal akinesia sequence; Pena-Shokeir syndrome type I. Identifiers: Orphanet 994, MedGen C1276035, MONDO:0100101, OMIM 208150, HP:0001989.
Congenital myasthenic syndrome 9. Also called: Myasthenic syndrome, congenital, 9, associated with acetylcholine receptor deficiency. Identifiers: Orphanet 590, MedGen C4225368, MONDO:0014587, OMIM 616325.

Allele frequency attached by ClinVar (database versions not stated): gnomAD exomes below 0.00001; TOPMed below 0.00001.
gnomAD v4.1: 1 of 1,613,168 alleles (0.000062%); highest among the groups gnomAD compares: Non-Finnish European, 0.000085%; no homozygotes.

Submission:

Labcorp Genetics (formerly Invitae), Labcorp
Classification: Uncertain significance for Congenital myasthenic syndrome 9; Fetal akinesia deformation sequence 1. Last evaluated: 2024-10-22. Review status: criteria provided, single submitter. Criteria: Invitae Variant Classification Sherloc (09022015). Collection method: clinical testing. Allele origin: germline.
Comment: This sequence change replaces glutamic acid, which is acidic and polar, with aspartic acid, which is acidic and polar, at codon 247 of the MUSK protein (p.Glu247Asp). This variant is not present in population databases (gnomAD no frequency). This variant has not been reported in the literature in individuals affected with MUSK-related conditions. ClinVar contains an entry for this variant (Variation ID: 1487470). Invitae Evidence Modeling of protein sequence and biophysical properties (such as structural, functional, and spatial information, amino acid conservation, physicochemical variation, residue mobility, and thermodynamic stability) indicates that this missense variant is not expected to disrupt MUSK protein function with a negative predictive value of 80%. In summary, the available evidence is currently insufficient to determine the role of this variant in disease. Therefore, it has been classified as a Variant of Uncertain Significance.